The following is an entry in ClinVar:

NM_007043.7(KRR1):c.394-12_394-8dup

Gene: KRR1 (KRR1 small subunit processome component; minus strand). Cytogenetic location: 12q21.2.
Variant type: Duplication.
Coding change: c.394-12_394-8dup on transcript NM_007043.7 (MANE Select); 12 bases into the intron before coding-DNA position 394 through 8 bases into the intron before coding-DNA position 394, 5 bases duplicated (TTTTT; older notation c.394-12_394-8dupTTTTT).
Molecular consequence: intron variant.
Genome position (GRCh38, 1-based): chr12:75,506,617-75,506,621, AAAAA duplicated on the plus strand (TTTTT on the coding strand, the reverse complement: KRR1 is on the minus strand); duplicating any 5 consecutive bases within chr12:75,506,617-75,506,633 gives the same sequence; the c. name uses the placement nearest the transcript's 3' end. VCF-style (leftmost placement, unchanged base first): chr12-75506616-C-CAAAAA. GRCh37 (hg19) VCF-style: chr12-75900396-C-CAAAAA.
Identifiers: ClinVar variation 3387825 (VCV003387825.14).
Genomic context (GRCh38, chr12:75,506,616, plus strand): 5'-AGAACCTATTTTAATGATGTCACATGCAACATCATCCTGAAGAATTCGTACTGCCTTTTG[C>CAAAAA]AAAAAAAAAAAAAAAAAGAAGACATTATCAACATTTTTTACAATTACATTCATTTTCCAG-3'

ClinVar aggregate classification (germline): Likely benign (1 of 4 stars; one submission).

Submission:

CeGaT Center for Human Genetics Tuebingen
Classification: Likely benign. Last evaluated: 2024-10-01. Review status: criteria provided, single submitter. Criteria: CeGaT Center For Human Genetics Tuebingen Variant Classification Criteria Version 2. Collection method: clinical testing. Allele origin: germline. Affected: yes. Observed: 1 variant allele.
Comment: KRR1: BP4, BS2